The following is an entry in ClinVar:

NM_005902.4(SMAD3):c.82G>T (p.Glu28Ter)

Gene: SMAD3 (SMAD family member 3; plus strand). Cytogenetic location: 15q22.33.
Variant type: single nucleotide variant.
Coding change: c.82G>T on transcript NM_005902.4 (MANE Select); coding-DNA position 82, G replaced by T.
Protein change: p.Glu28Ter; replaces glutamic acid 28 with a stop codon.
Molecular consequence: nonsense.
Genome position (GRCh38, 1-based): chr15:67,066,236, G>T. VCF-style: chr15-67066236-G-T. GRCh37 (hg19) VCF-style: chr15-67358574-G-T.
Other names: p.E28*:GAG>TAG; short protein forms E28*.
Identifiers: ClinVar variation 213779 (VCV000213779.16), dbSNP rs863223750, ClinGen allele CA323266.

ClinVar aggregate classification (germline): Pathogenic. Review status: criteria provided, multiple submitters, no conflicts (2 of 4 stars). 4 submissions from 4 submitters: Pathogenic (4). Last evaluated 2026-01-27.

Conditions:
Familial thoracic aortic aneurysm and aortic dissection (TAAD). Also called: Thoracic aortic aneurysms and dissections. Identifiers: Orphanet 91387, MedGen C4707243, MONDO:0019625.

Submissions (4):

Labcorp Genetics (formerly Invitae), Labcorp
Classification: Pathogenic for Familial thoracic aortic aneurysm and aortic dissection. Last evaluated: 2026-01-27. Review status: criteria provided, single submitter. Criteria: Invitae Variant Classification Sherloc (09022015). Collection method: clinical testing. Allele origin: germline.
Comment: This sequence change creates a premature translational stop signal (p.Glu28*) in the SMAD3 gene. It is expected to result in an absent or disrupted protein product. Loss-of-function variants in SMAD3 are known to be pathogenic (PMID: 21778426, 24804794). This variant is not present in population databases (gnomAD no frequency). This variant has not been reported in the literature in individuals affected with SMAD3-related conditions. ClinVar contains an entry for this variant (Variation ID: 213779). For these reasons, this variant has been classified as Pathogenic.

GeneDx
Classification: Pathogenic. Last evaluated: 2025-09-15. Review status: criteria provided, single submitter. Criteria: GeneDx Variant Classification Process June 2021. Collection method: clinical testing. Allele origin: germline. Affected: yes.
Comment: Not observed at significant frequency in large population cohorts (gnomAD); Has not been previously published as pathogenic or benign to our knowledge; Nonsense variant predicted to result in protein truncation or nonsense mediated decay in a gene for which loss of function is a known mechanism of disease

Ambry Genetics
Classification: Pathogenic for Familial thoracic aortic aneurysm and aortic dissection. Last evaluated: 2025-05-19. Review status: criteria provided, single submitter. Criteria: Ambry Variant Classification Scheme 2023. Collection method: clinical testing. Allele origin: germline.
Comment: The p.E28* pathogenic mutation (also known as c.82G>T), located in coding exon 1 of the SMAD3 gene, results from a G to T substitution at nucleotide position 82. This changes the amino acid from a glutamic acid to a stop codon within coding exon 1. This variant was reported in individual(s) with features consistent with SMAD3-related Loeys-Dietz syndrome and segregated with disease in at least one family (Hostetler EM et al. J Med Genet, 2019 Apr;56:252-260; Ambry internal data). This variant is considered to be rare based on population cohorts in the Genome Aggregation Database (gnomAD). This alteration is expected to result in loss of function by premature protein truncation or nonsense-mediated mRNA decay. As such, this alteration is interpreted as a disease-causing mutation.

Color Diagnostics, LLC DBA Color Health
Classification: Pathogenic for Familial thoracic aortic aneurysm and aortic dissection. Last evaluated: 2018-10-03. Review status: criteria provided, single submitter. Criteria: ACMG Guidelines, 2015. Collection method: clinical testing. Allele origin: germline.
Comment: Pathogenic variant based on current evidence: This variant changes 1 nucleotide in exon 1 of the SMAD3 gene, creating a premature translation stop signal. This variant is expected to result in an absent or non-functional protein product. To our knowledge, functional assays have not been performed for this variant nor has this variant been reported in individuals affected with cardiovascular disorders in the literature. This variant is rare in the general population and has been identified in 0/277264 chromosomes by the Genome Aggregation Database (gnomAD). Loss of SMAD3 function is a known mechanism of disease for cardiovascular disorders. Based on available evidence, this variant is classified as Pathogenic.

Literature cited by the submitters: PubMed 21778426 (cited by Labcorp Genetics (formerly Invitae), Labcorp); PubMed 24804794 (cited by Labcorp Genetics (formerly Invitae), Labcorp); PubMed 30661052 (cited by Ambry Genetics).